The following is an entry in ClinVar:

NM_172364.5(CACNA2D4):c.403C>T (p.Arg135Trp)

Gene: CACNA2D4 (calcium voltage-gated channel auxiliary subunit alpha2delta 4; minus strand). Cytogenetic location: 12p13.33.
Variant type: single nucleotide variant.
Coding change: c.403C>T on transcript NM_172364.5 (MANE Select); coding-DNA position 403, C replaced by T.
Protein change: p.Arg135Trp; replaces arginine 135 with tryptophan.
Molecular consequence: missense variant.
Genome position (GRCh38, 1-based): chr12:1,913,046, G>A on the plus strand (C>T on the coding strand, the complement: CACNA2D4 is on the minus strand). VCF-style: chr12-1913046-G-A. GRCh37 (hg19) VCF-style: chr12-2022212-G-A.
Other names: short protein forms R135W.
Identifiers: ClinVar variation 883682 (VCV000883682.8), dbSNP rs779055186, ClinGen allele CA6387561.

ClinVar aggregate classification (germline): Uncertain significance. Review status: criteria provided, multiple submitters, no conflicts (2 of 4 stars). 3 submissions from 3 submitters: Uncertain significance (3). Last evaluated 2024-03-01.

Conditions:
Retinal cone dystrophy 4 (RCD4). Identifiers: Orphanet 1872, MedGen C1864849, MONDO:0012507, OMIM 610478.

Allele frequency attached by ClinVar (database versions not stated): gnomAD exomes 0.00001; ExAC 0.00002.
gnomAD v4.1: 15 of 1,613,222 alleles (0.00093%); highest among the groups gnomAD compares: East Asian, 0.0089%; no homozygotes.

Submissions (3):

Labcorp Genetics (formerly Invitae), Labcorp
Classification: Uncertain significance. Last evaluated: 2024-03-01. Review status: criteria provided, single submitter. Criteria: Invitae Variant Classification Sherloc (09022015). Collection method: clinical testing. Allele origin: germline.
Comment: This sequence change replaces arginine, which is basic and polar, with tryptophan, which is neutral and slightly polar, at codon 135 of the CACNA2D4 protein (p.Arg135Trp). This variant is present in population databases (rs779055186, gnomAD 0.01%). This variant has not been reported in the literature in individuals affected with CACNA2D4-related conditions. ClinVar contains an entry for this variant (Variation ID: 883682). An algorithm developed to predict the effect of missense changes on protein structure and function (PolyPhen-2) suggests that this variant is likely to be disruptive. In summary, the available evidence is currently insufficient to determine the role of this variant in disease. Therefore, it has been classified as a Variant of Uncertain Significance.

Blueprint Genetics
Classification: Uncertain significance. Last evaluated: 2022-06-10. Review status: criteria provided, single submitter. Criteria: ACMG Guidelines, 2015. Collection method: clinical testing. Allele origin: germline.

Illumina Laboratory Services, Illumina
Classification: Uncertain significance for Retinal cone dystrophy 4. Last evaluated: 2018-01-12. Review status: criteria provided, single submitter. Criteria: ICSL Variant Classification Criteria 13 December 2019. Collection method: clinical testing. Allele origin: germline.